The following is an entry in ClinVar:

NM_001813.3(CENPE):c.6635T>C (p.Ile2212Thr)

Gene: CENPE (centromere protein E; minus strand). Cytogenetic location: 4q24.
Variant type: single nucleotide variant.
Coding change: c.6635T>C on transcript NM_001813.3 (MANE Select); coding-DNA position 6635, T replaced by C.
Protein change: p.Ile2212Thr; replaces isoleucine 2212 with threonine.
Molecular consequence: missense variant.
Genome position (GRCh38, 1-based): chr4:103,133,780, A>G on the plus strand (T>C on the coding strand, the complement: CENPE is on the minus strand). VCF-style: chr4-103133780-A-G. GRCh37 (hg19) VCF-style: chr4-104054937-A-G.
Other names: c.6272T>C, p.Ile2091Thr (NM_001286734.2); short protein forms I2091T, I2212T.
Identifiers: ClinVar variation 1306927 (VCV001306927.2), dbSNP rs1214209186, ClinGen allele CA357773023.

ClinVar aggregate classification (germline): Uncertain significance (1 of 4 stars; one submission).

Allele frequency attached by ClinVar (database versions not stated): gnomAD exomes below 0.00001 and 0.00001; TOPMed below 0.00001.
gnomAD v4.1: 10 of 1,610,886 alleles (0.00062%); highest among the groups gnomAD compares: Middle Eastern, 0.033%; no homozygotes.

Submission:

GeneDx
Classification: Uncertain significance. Last evaluated: 2019-07-08. Review status: criteria provided, single submitter. Criteria: GeneDx Variant Classification Process June 2021. Collection method: clinical testing. Allele origin: germline. Affected: yes.
Comment: Not observed at a significant frequency in large population cohorts (Lek et al., 2016); In silico analysis, which includes protein predictors and evolutionary conservation, supports that this variant does not alter protein structure/function; Has not been previously published as pathogenic or benign to our knowledge